The following is an entry in ClinVar:

ClinVar aggregate classification (germline): Uncertain significance (1 of 4 stars; one submission).

Submission:

GeneDx
Classification: Uncertain significance. Last evaluated: 2022-12-12. Review status: criteria provided, single submitter. Criteria: GeneDx Variant Classification Process June 2021. Collection method: clinical testing. Allele origin: germline. Affected: yes.
Comment: Not observed at significant frequency in large population cohorts (gnomAD); In silico analysis supports that this missense variant has a deleterious effect on protein structure/function; Has not been previously published as pathogenic or benign to our knowledge

NM_000701.8(ATP1A1):c.373C>G (p.Pro125Ala)

Gene: ATP1A1 (ATPase Na+/K+ transporting subunit alpha 1; plus strand). Cytogenetic location: 1p13.1.
Variant type: single nucleotide variant.
Coding change: c.373C>G on transcript NM_000701.8 (MANE Select); coding-DNA position 373, C replaced by G.
Protein change: p.Pro125Ala; replaces proline 125 with alanine.
Molecular consequence: missense variant.
Genome position (GRCh38, 1-based): chr1:116,387,477, C>G. VCF-style: chr1-116387477-C-G. GRCh37 (hg19) VCF-style: chr1-116930099-C-G.
Other names: c.373C>G, p.Pro125Ala (NM_001160233.2); c.280C>G, p.Pro94Ala (NM_001160234.2); short protein forms P125A, P94A.
Identifiers: ClinVar variation 2505828 (VCV002505828.1), dbSNP rs2525823930, ClinGen allele CA341841553.